The following is an entry in ClinVar:

ClinVar aggregate classification (germline): Conflicting classifications of pathogenicity. Review status: criteria provided, conflicting classifications (1 of 4 stars). 4 submissions from 4 submitters: Likely pathogenic (1); Uncertain significance (3). Last evaluated 2026-02-13.

Conditions:
Hereditary nonpolyposis colorectal neoplasms. Identifiers: MedGen C0009405, MeSH D003123.
Hereditary cancer-predisposing syndrome. Also called: Neoplastic Syndromes, Hereditary; Hereditary neoplastic syndrome; Tumor predisposition; Hereditary Cancer Syndrome. Identifiers: Orphanet 140162, MedGen C0027672, MeSH D009386, MONDO:0015356.
Familial cancer of breast. Also called: Hereditary breast cancer; BREAST CANCER, FAMILIAL; hereditary breast carcinoma. Identifiers: Orphanet 227535, MedGen C0346153, MONDO:0016419, OMIM 114480. Disease mechanism: loss of function.
Lynch syndrome 4 (LYNCH4). Also called: Colorectal cancer, hereditary nonpolyposis, type 4; Hereditary non-polyposis colorectal cancer, type 4. Identifiers: Orphanet 144, MedGen C1838333, MONDO:0013699, OMIM 614337. Disease mechanism: loss of function.

Submissions (4):

Ambry Genetics
Classification: Uncertain significance for Hereditary cancer-predisposing syndrome. Last evaluated: 2026-02-13. Review status: criteria provided, single submitter. Criteria: Ambry Variant Classification Scheme 2023. Collection method: clinical testing. Allele origin: germline.
Comment: The p.R151G variant (also known as c.451C>G), located in coding exon 5 of the PMS2 gene, results from a C to G substitution at nucleotide position 451. The arginine at codon 151 is replaced by glycine, an amino acid with dissimilar properties. This amino acid position is highly conserved in available vertebrate species. In addition, this alteration is predicted to be deleterious by in silico analysis. Based on the available evidence, the clinical significance of this variant remains unclear.

Labcorp Genetics (formerly Invitae), Labcorp
Classification: Uncertain significance for Hereditary nonpolyposis colorectal neoplasms. Last evaluated: 2025-02-03. Review status: criteria provided, single submitter. Criteria: Invitae Variant Classification Sherloc (09022015). Collection method: clinical testing. Allele origin: germline.
Comment: This sequence change replaces arginine, which is basic and polar, with glycine, which is neutral and non-polar, at codon 151 of the PMS2 protein (p.Arg151Gly). This variant is not present in population databases (gnomAD no frequency). This variant has not been reported in the literature in individuals affected with PMS2-related conditions. ClinVar contains an entry for this variant (Variation ID: 638152). Invitae Evidence Modeling incorporating data from in vitro experimental studies (internal data) indicates that this missense variant is not expected to disrupt PMS2 function with a negative predictive value of 95%. In summary, the available evidence is currently insufficient to determine the role of this variant in disease. Therefore, it has been classified as a Variant of Uncertain Significance.

Baylor Genetics
Classification: Uncertain significance for Lynch syndrome 4. Last evaluated: 2023-09-14. Review status: criteria provided, single submitter. Criteria: ACMG Guidelines, 2015. Collection method: clinical testing. Allele origin: unknown.

Human Genetics Unit, University Of Colombo
Classification: Likely pathogenic for Familial cancer of breast. Last evaluated: 2019-07-24. Review status: criteria provided, single submitter. Criteria: ACMG Guidelines, 2015. Collection method: clinical testing. Allele origin: germline. Inheritance: Autosomal dominant inheritance. Affected: yes. Observed: 1 heterozygote.
Comment: This mutation is not found in global population frequency databases or in our internal exome database. In silico analysis concluded this variant as disease-causing. Recent studies have shown an association of PMS2 mutations with increased risk of breast cancer (PMID:29345684). According to ACMG criteria (2015), this variant can be classified as likely pathogenic (II). Evidence:PS4, PM1, PM2, PP4

NM_000535.7(PMS2):c.451C>G (p.Arg151Gly)

Gene: PMS2 (PMS1 homolog 2, mismatch repair system component; minus strand). Cytogenetic location: 7p22.1.
Variant type: single nucleotide variant.
Coding change: c.451C>G on transcript NM_000535.7 (MANE Select); coding-DNA position 451, C replaced by G.
Protein change: p.Arg151Gly; replaces arginine 151 with glycine.
Molecular consequence: missense variant. On other transcripts: non-coding transcript variant (1), 5 prime UTR variant (2).
Genome position (GRCh38, 1-based): chr7:6,002,539, G>C on the plus strand (C>G on the coding strand, the complement: PMS2 is on the minus strand). VCF-style: chr7-6002539-G-C. GRCh37 (hg19) VCF-style: chr7-6042170-G-C.
Other names: c.46C>G, p.Arg16Gly (NM_001322003.2, NM_001322004.2, NM_001322005.2 and 3 more transcripts); c.451C>G, p.Arg151Gly (NM_001322006.2, NM_001322014.2); c.133C>G, p.Arg45Gly (NM_001322007.2, NM_001322008.2); c.142C>G, p.Arg48Gly (NM_001322015.2); c.-434C>G (NM_001322011.2, NM_001322012.2); short protein forms R151G, R16G, R45G, R48G.
Identifiers: ClinVar variation 638152 (VCV000638152.15), dbSNP rs758561884, ClinGen allele CA366744323.